The following is an entry in ClinVar:

NM_000257.4(MYH7):c.438G>T (p.Lys146Asn)

Gene: MYH7 (myosin heavy chain 7; minus strand). Cytogenetic location: 14q11.2.
Variant type: single nucleotide variant.
Coding change: c.438G>T on transcript NM_000257.4 (MANE Select); coding-DNA position 438, G replaced by T.
Protein change: p.Lys146Asn; replaces lysine 146 with asparagine.
Molecular consequence: missense variant.
Genome position (GRCh38, 1-based): chr14:23,432,703, C>A on the plus strand (G>T on the coding strand, the complement: MYH7 is on the minus strand). VCF-style: chr14-23432703-C-A. GRCh37 (hg19) VCF-style: chr14-23901912-C-A.
Other names: short protein forms K146N.
Identifiers: ClinVar variation 43013 (VCV000043013.18), dbSNP rs397516212, ClinGen allele CA014924.
Genomic context (GRCh38, chr14:23,432,703, plus strand): 5'-CAGCATGTACTGATAGGCGTTGTCGGAGATGGAGAAGATGTGGGGCGGGGCCTCGCTCCT[C>A]TTCTTGCCCCGGTAGGCAGCCACCACCTCAGGAGTGTACACCGGCAGCCACTTGTAAGGG-3'
Protein context (NP_000248.2, residues 136-156): PEVVAAYRGK[Lys146Asn]RSEAPPHIFS

ClinVar aggregate classification (germline): Pathogenic/Likely pathogenic. Review status: criteria provided, multiple submitters, no conflicts (2 of 4 stars). 4 submissions from 4 submitters: Pathogenic (1); Likely pathogenic (2). 1 of the submissions does not count toward it. Last evaluated 2021-05-31.

Conditions:
Cardiomyopathy (CMYO). Also called: Cardiomyopathies. Identifiers: Orphanet 167848, MedGen C0878544, MONDO:0004994, HP:0001638. Inheritance: Various modes of inheritance.
Hypertrophic cardiomyopathy. Also called: HYPERTROPHIC MYOCARDIOPATHY. Identifiers: Orphanet 217569, MedGen C0007194, MeSH D002312, MONDO:0005045, HP:0001639.

Submissions (4):

CHEO Genetics Diagnostic Laboratory, Children's Hospital of Eastern Ontario
Classification: Likely pathogenic for Cardiomyopathy. Last evaluated: 2021-05-31. Review status: criteria provided, single submitter. Criteria: ACMG Guidelines, 2015. Collection method: clinical testing. Allele origin: germline.

Labcorp Genetics (formerly Invitae), Labcorp
Classification: Pathogenic for Hypertrophic cardiomyopathy. Last evaluated: 2019-06-13. Review status: criteria provided, single submitter. Criteria: Invitae Variant Classification Sherloc (09022015). Collection method: clinical testing. Allele origin: germline.
Comment: For these reasons, this variant has been classified as Pathogenic. Algorithms developed to predict the effect of missense changes on protein structure and function are either unavailable or do not agree on the potential impact of this missense change (SIFT: "Deleterious"; PolyPhen-2: "Probably Damaging"; Align-GVGD: "Class C0"). This variant has been reported in several individuals with hypertrophic cardiomyopathy (HCM) and observed to be de novo in an individual affected with HCM (PMID: 28615295, 18403758, 27532257). ClinVar contains an entry for this variant (Variation ID: 43013). This variant is not present in population databases (ExAC no frequency). This sequence change replaces lysine with asparagine at codon 146 of the MYH7 protein (p.Lys146Asn). The lysine residue is highly conserved and there is a moderate physicochemical difference between lysine and asparagine.

Laboratory for Molecular Medicine, Mass General Brigham Personalized Medicine
Classification: Likely pathogenic for Hypertrophic cardiomyopathy. Last evaluated: 2013-03-21. Review status: criteria provided, single submitter. Criteria: LMM Criteria. Collection method: clinical testing. Allele origin: germline. Inheritance: Autosomal dominant inheritance. Observed: 1 variant allele.
Comment: proposed classification - variant undergoing re-assessment, contact laboratory

Agnes Ginges Centre for Molecular Cardiology, Centenary Institute
Classification: Pathogenic for Hypertrophic cardiomyopathy. Last evaluated: 2020-02-26. Review status: no assertion criteria provided. Collection method: research. Allele origin: germline. Inheritance: Autosomal dominant inheritance. Affected: yes. Not counted in ClinVar's aggregate classification.
Comment: This MYH7 Lys146Asn variant has been reported as a de novo mutation in a sporadic childhood cardiomyopathy case (Morita H, et al., 2008). This mutation is absent from the Genome Aggregation Database. Here we report this variant in 3 unrelated HCM index cases (Ingles, et al., 2005; Ingles et al., 2017). In one of our families this variant segregates to multiple affected individuals (5 meiosis). In silico tools PolyPhen2, SIFT and MutationTaster predict this variant to be deleterious. Furthermore functional studies suggest that this variant disrupts the interaction of the N-terminus and lever arm of the myosin heavy chain protein and the drosophila model recapitulated a cardiomyopathy phenotype (Trujillo et al., 2017). Based on the adapted ACMG criteria (Kelly MA, et al., 2018) this variant has been shown to have a damaging affect on protein in a functional study (PS3), is rare in the general population (PM2), as been reported in a de novo case (PM6), segregates with disease (PP1_moderate), has been reported in HCM probands (PS4_supporting) and multiple in silico tools predict that this variant is deleterious (PP3), therefore we classify MYH7 Lys146Asn as 'Pathogenic'.

Literature cited by the submitters: PubMed 28615295 (cited by Labcorp Genetics (formerly Invitae), Labcorp); PubMed 18403758 (cited by 3 submitters); PubMed 27532257 (cited by Labcorp Genetics (formerly Invitae), Labcorp and Agnes Ginges Centre for Molecular Cardiology, Centenary Institute); PubMed 16199542 (cited by Laboratory for Molecular Medicine, Mass General Brigham Personalized Medicine and Agnes Ginges Centre for Molecular Cardiology, Centenary Institute); PubMed 28408708 (cited by Agnes Ginges Centre for Molecular Cardiology, Centenary Institute).